The following is an entry in ClinVar:

ClinVar aggregate classification (germline): Uncertain significance. Review status: criteria provided, multiple submitters, no conflicts (2 of 4 stars). 2 submissions from 2 submitters: Uncertain significance (2). Last evaluated 2025-04-07.

Conditions:
Hereditary cancer-predisposing syndrome. Also called: Neoplastic Syndromes, Hereditary; Tumor predisposition; Hereditary Cancer Syndrome; Hereditary neoplastic syndrome. Identifiers: Orphanet 140162, MedGen C0027672, MeSH D009386, MONDO:0015356.
Haddad syndrome (OHD). Also called: Ondine-Hirschsprung disease. Identifiers: Orphanet 99803, MedGen C1859049, MONDO:0020493.

gnomAD v4.1: 5 of 1,612,442 alleles (0.00031%); highest among the groups gnomAD compares: South Asian, 0.0033%; no homozygotes.

Submissions (2):

Labcorp Genetics (formerly Invitae), Labcorp
Classification: Uncertain significance for Haddad syndrome. Last evaluated: 2025-04-07. Review status: criteria provided, single submitter. Criteria: Invitae Variant Classification Sherloc (09022015). Collection method: clinical testing. Allele origin: germline.
Comment: This sequence change replaces alanine, which is neutral and non-polar, with serine, which is neutral and polar, at codon 163 of the PHOX2B protein (p.Ala163Ser). This variant is present in population databases (no rsID available, gnomAD 0.003%). This variant has not been reported in the literature in individuals affected with PHOX2B-related conditions. ClinVar contains an entry for this variant (Variation ID: 535767). Invitae Evidence Modeling of protein sequence and biophysical properties (such as structural, functional, and spatial information, amino acid conservation, physicochemical variation, residue mobility, and thermodynamic stability) indicates that this missense variant is not expected to disrupt PHOX2B protein function with a negative predictive value of 80%. In summary, the available evidence is currently insufficient to determine the role of this variant in disease. Therefore, it has been classified as a Variant of Uncertain Significance.

Ambry Genetics
Classification: Uncertain significance for Hereditary cancer-predisposing syndrome. Last evaluated: 2024-10-31. Review status: criteria provided, single submitter. Criteria: Ambry Variant Classification Scheme 2023. Collection method: clinical testing. Allele origin: germline.
Comment: The p.A163S variant (also known as c.487G>T), located in coding exon 3 of the PHOX2B gene, results from a G to T substitution at nucleotide position 487. The alanine at codon 163 is replaced by serine, an amino acid with similar properties. This amino acid position is conserved. In addition, the in silico prediction for this alteration is inconclusive. Since supporting evidence is limited at this time, the clinical significance of this alteration remains unclear.

NM_003924.4(PHOX2B):c.487G>T (p.Ala163Ser)

Gene: PHOX2B (paired like homeobox 2B; minus strand). Cytogenetic location: 4p13.
Variant type: single nucleotide variant.
Coding change: c.487G>T on transcript NM_003924.4 (MANE Select); coding-DNA position 487, G replaced by T.
Protein change: p.Ala163Ser; replaces alanine 163 with serine.
Molecular consequence: missense variant.
Genome position (GRCh38, 1-based): chr4:41,746,265, C>A on the plus strand (G>T on the coding strand, the complement: PHOX2B is on the minus strand). VCF-style: chr4-41746265-C-A. GRCh37 (hg19) VCF-style: chr4-41748282-C-A.
Other names: short protein forms A163S.
Identifiers: ClinVar variation 535767 (VCV000535767.12), dbSNP rs767837376, ClinGen allele CA356738578.